The following is an entry in ClinVar:

NM_000414.4(HSD17B4):c.58+195C>T

Gene: HSD17B4 (hydroxysteroid 17-beta dehydrogenase 4; plus strand). Cytogenetic location: 5q23.1.
Variant type: single nucleotide variant.
Coding change: c.58+195C>T on transcript NM_000414.4 (MANE Select); 195 bases into the intron after coding-DNA position 58, C replaced by T.
Molecular consequence: intron variant.
Genome position (GRCh38, 1-based): chr5:119,452,828, C>T. VCF-style: chr5-119452828-C-T. GRCh37 (hg19) VCF-style: chr5-118788523-C-T.
Other names: c.68+7C>T (NM_001199291.3); c.-354+7C>T (NM_001292028.2); c.-80+195C>T (NM_001292027.2); c.58+195C>T (NM_001199292.2).
Identifiers: ClinVar variation 227436 (VCV000227436.4), dbSNP rs574416522, ClinGen allele CA3381635.

ClinVar aggregate classification (germline): Likely benign (1 of 4 stars; one submission).

Allele frequency attached by ClinVar (database versions not stated): ExAC below 0.00001; gnomAD 0.00002 and 0.00003; gnomAD exomes 0.00002; TOPMed 0.00003; 1000 Genomes Project 30x 0.00016; 1000 Genomes Project 0.00020.
gnomAD v4.1: 76 of 1,535,968 alleles (0.0049%); highest among the groups gnomAD compares: Non-Finnish European, 0.0061%; no homozygotes.

Submission:

Laboratory for Molecular Medicine, Mass General Brigham Personalized Medicine
Classification: Likely benign. Last evaluated: 2015-12-01. Review status: criteria provided, single submitter. Criteria: LMM Criteria. Collection method: clinical testing. Allele origin: germline. Observed: 1 variant allele.
Comment: c.68+7C>T in intron 1 of HSD17B4: This variant is not expected to have clinical significance because it is not located within the splice consensus sequence and is not predicted to impact splicing.